The following is an entry in ClinVar:

ClinVar aggregate classification (germline): Benign/Likely benign. Review status: criteria provided, multiple submitters, no conflicts (2 of 4 stars). 4 submissions from 4 submitters: Benign (1); Likely benign (3). Last evaluated 2025-03-06.

Conditions:
Hereditary leiomyomatosis and renal cell cancer. Also called: Reed syndrome; Multiple cutaneous and uterine leiomyomatosis; Cutaneous leiomyomata with uterine leiomyomata; Leiomyoma, hereditary multiple, of skin; Multiple cutaneous and uterine leiomyomata; Multiple cutaneous leiomyomas. Identifiers: Orphanet 523, MedGen C1708350, MONDO:0007888, OMIM 150800, HP:0007437. Disease mechanism: loss of function.
Hereditary cancer-predisposing syndrome. Also called: Neoplastic Syndromes, Hereditary; Hereditary Cancer Syndrome; Hereditary neoplastic syndrome; Tumor predisposition. Identifiers: Orphanet 140162, MedGen C0027672, MeSH D009386, MONDO:0015356.

Allele frequency attached by ClinVar (database versions not stated): TOPMed below 0.00001.

Submissions (4):

Quest Diagnostics Nichols Institute San Juan Capistrano
Classification: Likely benign. Last evaluated: 2025-03-06. Review status: criteria provided, single submitter. Criteria: Quest Diagnostics criteria. Collection method: clinical testing. Allele origin: unknown.

Myriad Genetics, Inc.
Classification: Benign for Hereditary leiomyomatosis and renal cell cancer. Last evaluated: 2024-10-17. Review status: criteria provided, single submitter. Criteria: Myriad Autosomal Dominant, Autosomal Recessive and X-Linked Classification Criteria (2023). Collection method: clinical testing. Allele origin: unknown.
Comment: This variant is considered benign. This variant is a silent/synonymous amino acid change and it is not expected to impact splicing.

Labcorp Genetics (formerly Invitae), Labcorp
Classification: Likely benign. Last evaluated: 2024-05-15. Review status: criteria provided, single submitter. Criteria: Invitae Variant Classification Sherloc (09022015). Collection method: clinical testing. Allele origin: germline.

Ambry Genetics
Classification: Likely benign for Hereditary cancer-predisposing syndrome. Last evaluated: 2023-01-12. Review status: criteria provided, single submitter. Criteria: Ambry Variant Classification Scheme 2023. Collection method: clinical testing. Allele origin: germline.

NM_000143.4(FH):c.42C>T (p.Leu14=)

Gene: FH (fumarate hydratase; minus strand). Cytogenetic location: 1q43.
Variant type: single nucleotide variant.
Coding change: c.42C>T on transcript NM_000143.4 (MANE Select); coding-DNA position 42, C replaced by T.
Protein change: p.Leu14=; no amino-acid change (leucine 14 retained).
Molecular consequence: synonymous variant.
Genome position (GRCh38, 1-based): chr1:241,519,681, G>A on the plus strand (C>T on the coding strand, the complement: FH is on the minus strand). VCF-style: chr1-241519681-G-A. GRCh37 (hg19) VCF-style: chr1-241682981-G-A.
Other names: c.42C>T (NM_000143.3).
Identifiers: ClinVar variation 1112539 (VCV001112539.12), dbSNP rs1660322230, ClinGen allele CA424076848.